The following is an entry in ClinVar:

NM_000391.4(TPP1):c.1288_1289dup (p.Leu430_Ser431insTer)

Gene: TPP1 (tripeptidyl peptidase 1; minus strand). Cytogenetic location: 11p15.4.
Variant type: Duplication.
Coding change: c.1288_1289dup on transcript NM_000391.4 (MANE Select); coding-DNA positions 1288 to 1289, 2 bases duplicated (CT; older notation c.1288_1289dupCT).
Protein change: p.Leu430_Ser431insTer.
Molecular consequence: frameshift variant.
Genome position (GRCh38, 1-based): chr11:6,615,307-6,615,308, AG duplicated on the plus strand (CT on the coding strand, the reverse complement: TPP1 is on the minus strand). VCF-style (leftmost placement, unchanged base first): chr11-6615306-C-CAG. GRCh37 (hg19) VCF-style: chr11-6636537-C-CAG.
Identifiers: ClinVar variation 1675447 (VCV001675447.33), dbSNP rs2134591764, ClinGen allele CA2573147189.

ClinVar aggregate classification (germline): Pathogenic (1 of 4 stars; one submission).

Submission:

CeGaT Center for Human Genetics Tuebingen
Classification: Pathogenic. Last evaluated: 2022-04-01. Review status: criteria provided, single submitter. Criteria: CeGaT Center For Human Genetics Tuebingen Variant Classification Criteria Version 2. Collection method: clinical testing. Allele origin: germline. Affected: yes. Observed: 1 variant allele.
Comment: TPP1: PVS1, PM2, PM3:Supporting